The following is an entry in ClinVar:

NM_001267550.2(TTN):c.70437del (p.Lys23480fs)

Genes: TTN (titin; minus strand), TTN-AS1 (TTN antisense RNA 1; plus strand), LOC126806422 (BRD4-independent group 4 enhancer GRCh37_chr2:179440205-179441404; plus strand). Cytogenetic location: 2q31.2.
Variant type: Deletion.
Coding change: c.70437del on transcript NM_001267550.2 (MANE Select); coding-DNA position 70437, one base deleted (G; older notation c.70437delG).
Protein change: p.Lys23480fs; shifts the reading frame from lysine 23480.
Molecular consequence: frameshift variant.
Genome position (GRCh38, 1-based): chr2:178,575,695, C deleted on the plus strand (G on the coding strand, the reverse complement: TTN is on the minus strand); the first of 2 consecutive C bases (chr2:178,575,695-178,575,696); deleting either gives the same sequence. VCF-style (leftmost placement, unchanged base first): chr2-178575694-TC-T. GRCh37 (hg19) VCF-style: chr2-179440421-TC-T.
Other names: c.65514del, p.Lys21839fs (NM_001256850.1); c.43242del, p.Lys14415fs (NM_003319.4); c.62733del, p.Lys20912fs (NM_133378.4); c.43617del, p.Lys14540fs (NM_133432.3); c.43818del, p.Lys14607fs (NM_133437.4); c.70437del (NM_001267550.1); short protein forms K21839fs, K14607fs, K14415fs, K14540fs, K20912fs, K23480fs.
Identifiers: ClinVar variation 1487386 (VCV001487386.7), dbSNP rs2154172462, ClinGen allele CA2573134320.

ClinVar aggregate classification (germline): Pathogenic/Likely pathogenic. Review status: criteria provided, multiple submitters, no conflicts (2 of 4 stars). 3 submissions from 3 submitters: Pathogenic (1); Likely pathogenic (2). Last evaluated 2026-02-05.

Conditions:
TTN-related disorder. Also called: TTN-related condition; TTN-related disease; TTN-related disorders.
Dilated cardiomyopathy 1G (CMD1G). Identifiers: Orphanet 154, MedGen C1858763, MONDO:0011400, OMIM 604145.
Autosomal recessive limb-girdle muscular dystrophy type 2J (LGMDR10). Also called: MUSCULAR DYSTROPHY, LIMB-GIRDLE, AUTOSOMAL RECESSIVE 10; Limb-girdle muscular dystrophy, type 2J. Identifiers: Orphanet 140922, MedGen C1837342, MONDO:0012127, OMIM 608807.

Submissions (3):

GeneDx
Classification: Likely pathogenic. Last evaluated: 2026-02-05. Review status: criteria provided, single submitter. Criteria: GeneDx Variant Classification Process June 2021. Collection method: clinical testing. Allele origin: germline.
Comment: Frameshift variant predicted to result in protein truncation or nonsense mediated decay in a gene for which loss of function is a known mechanism of disease; Located in the A-band, a region of TTN for which truncating variants are significantly associated with autosomal dominant cardiomyopathy and also with autosomal recessive skeletal myopathies (PMID: 22335739, 32778822); Not observed at significant frequency in large population cohorts (gnomAD); This variant is associated with the following publications: (PMID: 35626289, 22335739, 32778822, 38473809)

Blueprint Genetics
Classification: Pathogenic for TTN-related disorders. Last evaluated: 2023-11-14. Review status: criteria provided, single submitter. Criteria: ACMG Guidelines, 2015. Collection method: clinical testing. Allele origin: germline. Affected: yes. Observed: 3 variant alleles.

Labcorp Genetics (formerly Invitae), Labcorp
Classification: Likely pathogenic for Dilated cardiomyopathy 1G; Autosomal recessive limb-girdle muscular dystrophy type 2J. Last evaluated: 2022-07-25. Review status: criteria provided, single submitter. Criteria: Invitae Variant Classification Sherloc (09022015). Collection method: clinical testing. Allele origin: germline.
Comment: This variant has not been reported in the literature in individuals affected with TTN-related conditions. This variant is not present in population databases (gnomAD no frequency). This sequence change creates a premature translational stop signal (p.Lys23480Asnfs*30) in the TTN gene. While this is not anticipated to result in nonsense mediated decay, it is expected to create a truncated TTN protein. ClinVar contains an entry for this variant (Variation ID: 1487386). In summary, the currently available evidence indicates that the variant is pathogenic, but additional data are needed to prove that conclusively. Therefore, this variant has been classified as Likely Pathogenic. This variant is located in the A band of TTN (PMID: 25589632). Truncating variants in this region are significantly overrepresented in patients affected with dilated cardiomyopathy (PMID: 25589632). Truncating variants in this region have also been reported in individuals affected with autosomal recessive centronuclear myopathy (PMID: 23975875).

Literature cited by the submitters: PubMed 25589632 (cited by Labcorp Genetics (formerly Invitae), Labcorp); PubMed 23975875 (cited by Labcorp Genetics (formerly Invitae), Labcorp).